The following is an entry in ClinVar:

ClinVar aggregate classification (germline): Uncertain significance. Review status: criteria provided, multiple submitters, no conflicts (2 of 4 stars). 2 submissions from 2 submitters: Uncertain significance (2). Last evaluated 2025-10-15.

Conditions:
CREBBP-related disorder. Also called: CREBBP-related condition; CREBBP-related disorders.
Rubinstein-Taybi syndrome (RSTS). Identifiers: Orphanet 783, MedGen C0035934, MONDO:0019188.

gnomAD v4.1: 2 of 1,608,880 alleles (0.00012%); highest among the groups gnomAD compares: Non-Finnish European, 0.00017%; no homozygotes.

Submissions (2):

PreventionGenetics, part of Exact Sciences
Classification: Uncertain significance for CREBBP-related condition. Last evaluated: 2025-10-15. Review status: criteria provided, single submitter. Criteria: ACMG Guidelines, 2015. Collection method: clinical testing. Allele origin: germline.
Comment: The CREBBP c.7106C>T variant is predicted to result in the amino acid substitution p.Pro2369Leu. To our knowledge, this variant has not been reported in the literature or in a large population database (gnomAD), indicating this variant is rare. At this time, the clinical significance of this variant is uncertain due to the absence of conclusive functional and genetic evidence.

Labcorp Genetics (formerly Invitae), Labcorp
Classification: Uncertain significance for Rubinstein-Taybi syndrome. Last evaluated: 2024-10-16. Review status: criteria provided, single submitter. Criteria: Invitae Variant Classification Sherloc (09022015). Collection method: clinical testing. Allele origin: germline.
Comment: This sequence change replaces proline, which is neutral and non-polar, with leucine, which is neutral and non-polar, at codon 2369 of the CREBBP protein (p.Pro2369Leu). This variant is not present in population databases (gnomAD no frequency). This variant has not been reported in the literature in individuals affected with CREBBP-related conditions. ClinVar contains an entry for this variant (Variation ID: 1713362). Invitae Evidence Modeling of protein sequence and biophysical properties (such as structural, functional, and spatial information, amino acid conservation, physicochemical variation, residue mobility, and thermodynamic stability) indicates that this missense variant is not expected to disrupt CREBBP protein function with a negative predictive value of 95%. In summary, the available evidence is currently insufficient to determine the role of this variant in disease. Therefore, it has been classified as a Variant of Uncertain Significance.

NM_004380.3(CREBBP):c.7106C>T (p.Pro2369Leu)

Gene: CREBBP (CREB binding lysine acetyltransferase; minus strand). Cytogenetic location: 16p13.3.
Variant type: single nucleotide variant.
Coding change: c.7106C>T on transcript NM_004380.3 (MANE Select); coding-DNA position 7106, C replaced by T.
Protein change: p.Pro2369Leu; replaces proline 2369 with leucine.
Molecular consequence: missense variant.
Genome position (GRCh38, 1-based): chr16:3,727,941, G>A on the plus strand (C>T on the coding strand, the complement: CREBBP is on the minus strand). VCF-style: chr16-3727941-G-A. GRCh37 (hg19) VCF-style: chr16-3777942-G-A.
Other names: c.6992C>T, p.Pro2331Leu (NM_001079846.1); c.7106C>T (NM_004380.2); short protein forms P2331L, P2369L.
Identifiers: ClinVar variation 1713362 (VCV001713362.6), dbSNP rs1225528201, ClinGen allele CA394550521.